The following is an entry in ClinVar:

NM_004036.5(ADCY3):c.687C>T (p.Asn229=)

Gene: ADCY3 (adenylate cyclase 3; minus strand). Cytogenetic location: 2p23.3.
Variant type: single nucleotide variant.
Coding change: c.687C>T on transcript NM_004036.5 (MANE Select); coding-DNA position 687, C replaced by T.
Protein change: p.Asn229=; no amino-acid change (asparagine 229 retained).
Molecular consequence: synonymous variant. On other transcripts: 5 prime UTR variant (1).
Genome position (GRCh38, 1-based): chr2:24,872,708, G>A on the plus strand (C>T on the coding strand, the complement: ADCY3 is on the minus strand). VCF-style: chr2-24872708-G-A. GRCh37 (hg19) VCF-style: chr2-25095577-G-A.
Other names: c.687C>T, p.Asn229= (NM_001320613.2, NM_001377128.1, NM_001377129.1 and 2 more transcripts); c.-37C>T (NM_001377131.1).
Identifiers: ClinVar variation 3351376 (VCV003351376.1).

ClinVar aggregate classification (germline): Likely benign (0 of 4 stars; one submission).

Conditions:
ADCY3-related disorder. Also called: ADCY3-related condition.

gnomAD v4.1: 21 of 1,613,916 alleles (0.0013%); highest among the groups gnomAD compares: African/African-American, 0.0093%; no homozygotes.

Submission:

PreventionGenetics, part of Exact Sciences
Classification: Likely benign for ADCY3-related condition. Last evaluated: 2024-05-29. Review status: no assertion criteria provided. Collection method: clinical testing. Allele origin: germline.
Comment: This variant is classified as likely benign based on ACMG/AMP sequence variant interpretation guidelines (Richards et al. 2015 PMID: 25741868, with internal and published modifications).